The following is an entry in ClinVar:

ClinVar aggregate classification (germline): Pathogenic/Likely pathogenic. Review status: criteria provided, multiple submitters, no conflicts (2 of 4 stars). 5 submissions from 5 submitters: Pathogenic (2); Likely pathogenic (1). 2 of the submissions do not count toward it. Last evaluated 2025-10-20.

Conditions:
Inborn genetic diseases. Identifiers: MedGen C0950123, MeSH D030342.
Pyruvate dehydrogenase E1-alpha deficiency (PDHAD). Also called: ATAXIA, INTERMITTENT, WITH PYRUVATE DEHYDROGENASE DEFICIENCY; ATAXIA WITH LACTIC ACIDOSIS I; ATAXIA, INTERMITTENT, WITH ABNORMAL PYRUVATE METABOLISM; Ataxia, intermittent, with pyruvate dehydrogenase, or decarboxylase, deficiency. Identifiers: Orphanet 79243, MedGen C1839413, MONDO:0010717, OMIM 312170.

Submissions (5):

3billion
Classification: Pathogenic for Pyruvate dehydrogenase E1-alpha deficiency. Last evaluated: 2025-10-20. Review status: criteria provided, single submitter. Criteria: ACMG Guidelines, 2015. Collection method: clinical testing. Allele origin: germline. Affected: yes.
Comment: The variant is not observed in the gnomAD v4.1.0 dataset. Predicted Consequence/Location: The variant is located in a mutational hot spot and/or well-established functional domain in which established pathogenic variants have been reported. In silico tool predictions suggest damaging effect of the variant on gene or gene product [REVEL: 0.99 (>=0.6, sensitivity 0.68 and specificity 0.92); 3Cnet: 0.93 (> 0.75, sensitivity 0.96 and precision 0.92)]. The same nucleotide change resulting in the same amino acid change has been previously reported as pathogenic/likely pathogenic with strong evidence (ClinVar ID: VCV001303026 /PMID: 8598634). The variant has been observed in at least two similarly affected unrelated individuals (PMID: 37688338, 8598634). The variant has been previously reported as assumed (i.e. paternity and maternity not confirmed) de novo in at least one similarly affected unrelated individual (PMID: 8598634). Therefore, this variant is classified as Pathogenic according to the recommendation of ACMG/AMP guideline.

Ambry Genetics
Classification: Pathogenic for Inborn genetic diseases. Last evaluated: 2025-01-16. Review status: criteria provided, single submitter. Criteria: Ambry Variant Classification Scheme 2023. Collection method: clinical testing. Allele origin: germline.
Comment: The c.871G>A (p.G291R) alteration is located in exon 9 (coding exon 9) of the PDHA1 gene. This alteration results from a G to A substitution at nucleotide position 871, causing the glycine (G) at amino acid position 291 to be replaced by an arginine (R). This variant was not reported in population-based cohorts in the Genome Aggregation Database (gnomAD). This variant was reported in individual(s) with features consistent with pyruvate dehydrogenase E1-alpha deficiency; in at least one individual, it was determined to be de novo (Matsuda, 1995; van der Ven, 2021; Verma, 2024). This amino acid position is highly conserved in available vertebrate species. This missense alteration is located in a region that has a low rate of benign missense variation (Lek, 2016; Firth, 2009). This alteration is predicted to be deleterious by in silico analysis. Based on the available evidence, this alteration is classified as pathogenic.

GeneDx
Classification: Likely pathogenic. Last evaluated: 2024-03-05. Review status: criteria provided, single submitter. Criteria: GeneDx Variant Classification Process June 2021. Collection method: clinical testing. Allele origin: germline. Affected: yes.
Comment: Not observed at significant frequency in large population cohorts (gnomAD); In silico analysis supports that this missense variant has a deleterious effect on protein structure/function; This variant is associated with the following publications: (PMID: 25525159, 23623855, 10679936, 37688338, 34490615, 8598634)

PDHA1 Study Group, University Children’s Hospital, Paracelsus Medical University
Classification: Likely pathogenic for Pyruvate dehydrogenase E1-alpha deficiency. Last evaluated: 2024-10-15. Review status: no assertion criteria provided. Collection method: research. Allele origin: de novo. Affected: yes. Observed: 5 variant alleles. Not counted in ClinVar's aggregate classification.
Comment: The NM_000284.3:c.871G>A (p.Gly291Arg) substitution is a missense variant in PDHA1 gene.In total, 5 individuals were diagnosed with PDHA1-related Pyruvate dehydrogenase complex (PDHc) deficiency (MIM #312170) . These include 5 females.Among them, 1 case had confirmed de novo occurrence, and were confirmed inherited. The variant has been reported in 2 published cases (PMIDs: 8598634, 28918066, 23021068). Additional 3 unpublished cases from internal data are included.Last literature search: July 12, 2024. This variant is absent or extremely rare in population-based cohorts in the Genome Aggregation Database (gnomAD). All individuals harboring this variant presented with clinical features compatible with PDHA1-related PDHc deficiency. In summary, this variant meets criteria to be classified as likely pathogenic (LP) for PDHA1-related PDHc deficiency based on the ACMG/AMP criteria applied: PM1, PM2, PM7, PP3 (last assessment October 15, 2024).

Centre of Medical Genetics, University Hospital Muenster
Classification: Uncertain significance. Last evaluated: 2023-04-19. Review status: flagged submission. Criteria: ACMG Guidelines, 2015. Collection method: clinical testing. Allele origin: unknown. Affected: yes. Observed: 1 variant allele, 1 heterozygote. Not counted in ClinVar's aggregate classification.
Comment: ACMG categories: PM1,PM2,PP3
ClinVar note: Reason: Outlier claim with insufficient supporting evidence

Literature cited by the submitters: PubMed 8598634 (cited by 3 submitters); PubMed 37688338 (cited by 3billion and Ambry Genetics); PubMed 34490615 (cited by Ambry Genetics); PubMed 28918066 (cited by PDHA1 Study Group, University Children’s Hospital, Paracelsus Medical University); PubMed 23021068 (cited by PDHA1 Study Group, University Children’s Hospital, Paracelsus Medical University); DOI 10.1093/brain/awaf430 (cited by PDHA1 Study Group, University Children’s Hospital, Paracelsus Medical University).

NM_000284.4(PDHA1):c.871G>A (p.Gly291Arg)

Gene: PDHA1 (pyruvate dehydrogenase E1 subunit alpha 1; plus strand). Cytogenetic location: Xp22.12.
Variant type: single nucleotide variant.
Coding change: c.871G>A on transcript NM_000284.4 (MANE Select); coding-DNA position 871, G replaced by A.
Protein change: p.Gly291Arg; replaces glycine 291 with arginine.
Molecular consequence: missense variant.
Genome position (GRCh38, 1-based): chrX:19,357,691, G>A. VCF-style: chrX-19357691-G-A. GRCh37 (hg19) VCF-style: chrX-19375809-G-A.
Other names: c.985G>A, p.Gly329Arg (NM_001173454.2); c.892G>A, p.Gly298Arg (NM_001173455.2); c.778G>A, p.Gly260Arg (NM_001173456.2); short protein forms G260R, G291R, G298R, G329R.
Identifiers: ClinVar variation 1303026 (VCV001303026.8), dbSNP rs2147184517, ClinGen allele CA412395220.
Genomic context (GRCh38, chrX:19,357,691, plus strand): 5'-TGCCTACCGGTTCTGTTTTAGGGGCCCATCCTGATGGAGCTGCAGACTTACCGTTACCAC[G>A]GACACAGTATGAGTGACCCTGGAGTCAGGTACGCTCATGGGCAGTGTGGTTTCCATAGGG-3'
Protein context (NP_000275.1, residues 281-301): LMELQTYRYH[Gly291Arg]HSMSDPGVSY